The following is an entry in ClinVar:

NM_015192.4(PLCB1):c.1831C>T (p.Pro611Ser)

Gene: PLCB1 (phospholipase C beta 1; plus strand). Cytogenetic location: 20p12.3.
Variant type: single nucleotide variant.
Coding change: c.1831C>T on transcript NM_015192.4 (MANE Select); coding-DNA position 1831, C replaced by T.
Protein change: p.Pro611Ser; replaces proline 611 with serine.
Molecular consequence: missense variant.
Genome position (GRCh38, 1-based): chr20:8,729,117, C>T. VCF-style: chr20-8729117-C-T. GRCh37 (hg19) VCF-style: chr20-8709764-C-T.
Other names: c.1831C>T, p.Pro611Ser (NM_182734.3); short protein forms P611S.
Identifiers: ClinVar variation 1023126 (VCV001023126.9), dbSNP rs1980094549, ClinGen allele CA408204539.
Genomic context (GRCh38, chr20:8,729,117, plus strand): 5'-AAAATGCAGCTTAGCAGGATATATCCAAAAGGAACACGTGTGGATTCATCCAACTATATG[C>T]CTCAGCTCTTCTGGAATGCAGGTTGTCAGATGGTGGCACTTAATTTCCAGACAATGGGTA-3'
Protein context (NP_056007.1, residues 601-621): GTRVDSSNYM[Pro611Ser]QLFWNAGCQM

ClinVar aggregate classification (germline): Uncertain significance (1 of 4 stars; one submission).

Conditions:
Developmental and epileptic encephalopathy, 12 (DEE12). Identifiers: MedGen C3150988, MONDO:0013389, OMIM 613722.

Allele frequency attached by ClinVar (database versions not stated): gnomAD exomes below 0.00001.
gnomAD v4.1: 1 of 1,612,230 alleles (0.000062%); highest among the groups gnomAD compares: Non-Finnish European, 0.000085%; no homozygotes.

Submission:

Labcorp Genetics (formerly Invitae), Labcorp
Classification: Uncertain significance for Developmental and epileptic encephalopathy, 12. Last evaluated: 2022-08-20. Review status: criteria provided, single submitter. Criteria: Invitae Variant Classification Sherloc (09022015). Collection method: clinical testing. Allele origin: germline.
Comment: In summary, the available evidence is currently insufficient to determine the role of this variant in disease. Therefore, it has been classified as a Variant of Uncertain Significance. Algorithms developed to predict the effect of missense changes on protein structure and function are either unavailable or do not agree on the potential impact of this missense change (SIFT: "Deleterious"; PolyPhen-2: "Probably Damaging"; Align-GVGD: "Class C0"). ClinVar contains an entry for this variant (Variation ID: 1023126). This variant has not been reported in the literature in individuals affected with PLCB1-related conditions. This variant is not present in population databases (gnomAD no frequency). This sequence change replaces proline, which is neutral and non-polar, with serine, which is neutral and polar, at codon 611 of the PLCB1 protein (p.Pro611Ser).